The following is an entry in ClinVar:

NM_177438.3(DICER1):c.3752C>T (p.Thr1251Ile)

Gene: DICER1 (dicer 1, ribonuclease III; minus strand). Cytogenetic location: 14q32.13.
Variant type: single nucleotide variant.
Coding change: c.3752C>T on transcript NM_177438.3 (MANE Select); coding-DNA position 3752, C replaced by T.
Protein change: p.Thr1251Ile; replaces threonine 1251 with isoleucine.
Molecular consequence: missense variant. On other transcripts: non-coding transcript variant (6).
Genome position (GRCh38, 1-based): chr14:95,103,644, G>A on the plus strand (C>T on the coding strand, the complement: DICER1 is on the minus strand). VCF-style: chr14-95103644-G-A. GRCh37 (hg19) VCF-style: chr14-95569981-G-A.
Other names: c.3752C>T, p.Thr1251Ile (NM_001195573.1, NM_001271282.3, NM_001291628.2 and 13 more transcripts); c.3470C>T, p.Thr1157Ile (NM_001395686.1); c.3347C>T, p.Thr1116Ile (NM_001395687.1, NM_001395688.1, NM_001395689.1 and 2 more transcripts); c.3185C>T, p.Thr1062Ile (NM_001395691.1); c.2069C>T, p.Thr690Ile (NM_001395697.1); short protein forms T1251I, T1062I, T1116I, T1157I, T690I.
Identifiers: ClinVar variation 1734576 (VCV001734576.8), dbSNP rs2139960558, ClinGen allele CA390874177.
Genomic context (GRCh38, chr14:95,103,644, plus strand): 5'-AGCACTTGAATAGTGTCTGTCGTACCAGGCATTACGGCCATCACAGGACTTCCATCTGAG[G>A]TAGATTTGTTAGCATTTCCATCAAGGTATTTATTACTCAGGAGAGTACATTCATCGCTGG-3'
Protein context (NP_803187.1, residues 1241-1261): KYLDGNANKS[Thr1251Ile]SDGSPVMAVM

ClinVar aggregate classification (germline): Uncertain significance. Review status: criteria provided, multiple submitters, no conflicts (2 of 4 stars). 3 submissions from 3 submitters: Uncertain significance (3). Last evaluated 2024-07-17.

Conditions:
Hereditary cancer-predisposing syndrome. Also called: Neoplastic Syndromes, Hereditary; Tumor predisposition; Hereditary Cancer Syndrome; Hereditary neoplastic syndrome. Identifiers: Orphanet 140162, MedGen C0027672, MeSH D009386, MONDO:0015356.
DICER1-related disorder. Also called: DICER1-related condition.
DICER1-related tumor predisposition. Also called: DICER1 syndrome; DICER1-related pleuropulmonary blastoma cancer predisposition syndrome. Identifiers: Orphanet 284343, MedGen C3839822, MONDO:0100216.

Allele frequency attached by ClinVar (database versions not stated): gnomAD exomes 0.00001.
gnomAD v4.1: 4 of 1,614,202 alleles (0.00025%); highest among the groups gnomAD compares: Non-Finnish European, 0.00034%; no homozygotes.

Submissions (3):

Ambry Genetics
Classification: Uncertain significance for Hereditary cancer-predisposing syndrome. Last evaluated: 2024-07-17. Review status: criteria provided, single submitter. Criteria: Ambry Variant Classification Scheme 2023. Collection method: clinical testing. Allele origin: germline.
Comment: The p.T1251I variant (also known as c.3752C>T), located in coding exon 20 of the DICER1 gene, results from a C to T substitution at nucleotide position 3752. The threonine at codon 1251 is replaced by isoleucine, an amino acid with similar properties. This amino acid position is highly conserved in available vertebrate species. In addition, the in silico prediction for this alteration is inconclusive. Based on the available evidence, the clinical significance of this variant remains unclear.

PreventionGenetics, part of Exact Sciences
Classification: Uncertain significance for DICER1-related condition. Last evaluated: 2023-04-20. Review status: criteria provided, single submitter. Criteria: ACMG Guidelines, 2015. Collection method: clinical testing. Allele origin: germline.
Comment: The DICER1 c.3752C>T variant is predicted to result in the amino acid substitution p.Thr1251Ile. To our knowledge, this variant has not been reported in the literature or in a large population database, indicating this variant is rare. It is interpreted as uncertain significance in ClinVar. At this time, the clinical significance of this variant is uncertain due to the absence of conclusive functional and genetic evidence.

Labcorp Genetics (formerly Invitae), Labcorp
Classification: Uncertain significance for DICER1-related tumor predisposition. Last evaluated: 2022-01-16. Review status: criteria provided, single submitter. Criteria: Invitae Variant Classification Sherloc (09022015). Collection method: clinical testing. Allele origin: germline.
Comment: This variant has not been reported in the literature in individuals affected with DICER1-related conditions. This sequence change replaces threonine, which is neutral and polar, with isoleucine, which is neutral and non-polar, at codon 1251 of the DICER1 protein (p.Thr1251Ile). This variant is not present in population databases (gnomAD no frequency). Algorithms developed to predict the effect of missense changes on protein structure and function are either unavailable or do not agree on the potential impact of this missense change (SIFT: "Deleterious"; PolyPhen-2: "Benign"; Align-GVGD: "Class C0"). In summary, the available evidence is currently insufficient to determine the role of this variant in disease. Therefore, it has been classified as a Variant of Uncertain Significance.